The following is an entry in ClinVar:

NM_014249.4(NR2E3):c.931C>T (p.Arg311Trp)

Gene: NR2E3 (nuclear receptor subfamily 2 group E member 3; plus strand). Cytogenetic location: 15q23.
Variant type: single nucleotide variant.
Coding change: c.931C>T on transcript NM_014249.4 (MANE Select); coding-DNA position 931, C replaced by T.
Protein change: p.Arg311Trp; replaces arginine 311 with tryptophan.
Molecular consequence: missense variant.
Genome position (GRCh38, 1-based): chr15:71,813,572, C>T. VCF-style: chr15-71813572-C-T. GRCh37 (hg19) VCF-style: chr15-72105912-C-T.
Other names: c.931C>T, p.Arg311Trp (NM_016346.4); c.931C>T (NM_014249.3); short protein forms R311W.
Identifiers: ClinVar variation 422071 (VCV000422071.39), dbSNP rs767442358, ClinGen allele CA7640436.

ClinVar aggregate classification (germline): Conflicting classifications of pathogenicity. Review status: criteria provided, conflicting classifications (1 of 4 stars). 7 submissions from 7 submitters: Likely pathogenic (6); Uncertain significance (1). Last evaluated 2025-12-30.

Conditions:
NR2E3-related disorder. Also called: NR2E3-related condition; NR2E3-related disorders. Identifiers: MedGen CN239387.
Retinal dystrophy. Also called: Inherited retinal dystrophy. Identifiers: Orphanet 71862, MedGen C0854723, MeSH D058499, MONDO:0019118, HP:0000556.
Enhanced S-cone syndrome (ESCS). Identifiers: Orphanet 53540, MedGen C1849394, MONDO:0100288, MONDO:0009989.

Allele frequency attached by ClinVar (database versions not stated): gnomAD 0.00001; TOPMed 0.00002; ExAC 0.00003; gnomAD exomes 0.00004 and 0.00006.

Submissions (7):

Natera, Inc.
Classification: Likely pathogenic for Enhanced S cone syndrome. Last evaluated: 2025-12-30. Review status: criteria provided, single submitter. Criteria: Natera Variant Classification Schema (03/2026). Collection method: clinical testing. Allele origin: germline.
Comment: The c.931C>T variant in NR2E3 is a missense variant predicted to cause substitution of arginine to tryptophan at amino acid 311. This variant is rare in the general population with a frequency below the threshold expected for the associated phenotype(s). This variant has been observed in at least one unaffected individual, with a zygosity that is consistent with the inheritance pattern for the associated condition (in gnomAD and/or literature). This variant has been observed in one or more individuals affected with the associated recessive disease, as either homozygous or compound heterozygous with a second variant (PMID: 30054919, 33819700, 32531858). Additionally, this variant has been observed to segregate in affected family members (PMID: 33819700). A different variant at the same position has been determined to be Pathogenic or Likely Pathogenic. Multiple computational prediction algorithms suggest this variant is unlikely to affect gene or protein function. Given the available evidence, this variant is classified as Likely Pathogenic.

Labcorp Genetics (formerly Invitae), Labcorp
Classification: Uncertain significance. Last evaluated: 2024-05-25. Review status: criteria provided, single submitter. Criteria: Invitae Variant Classification Sherloc (09022015). Collection method: clinical testing. Allele origin: germline.
Comment: This sequence change replaces arginine, which is basic and polar, with tryptophan, which is neutral and slightly polar, at codon 311 of the NR2E3 protein (p.Arg311Trp). This variant is present in population databases (rs767442358, gnomAD 0.05%), including at least one homozygous and/or hemizygous individual. This missense change has been observed in individual(s) with clinical features of autosomal recessive enhanced S-cone syndrome, retinal dystrophy, and/or retinitis pigmentosa (PMID: 30054919, 32531858, 36819107). ClinVar contains an entry for this variant (Variation ID: 422071). Advanced modeling of protein sequence and biophysical properties (such as structural, functional, and spatial information, amino acid conservation, physicochemical variation, residue mobility, and thermodynamic stability) has been performed at Invitae for this missense variant, however the output from this modeling did not meet the statistical confidence thresholds required to predict the impact of this variant on NR2E3 protein function. This variant disrupts the p.Arg311 amino acid residue in NR2E3. Other variant(s) that disrupt this residue have been determined to be pathogenic (PMID: 11071390, 16024868). This suggests that this residue is clinically significant, and that variants that disrupt this residue are likely to be disease-causing. In summary, the available evidence is currently insufficient to determine the role of this variant in disease. Therefore, it has been classified as a Variant of Uncertain Significance.

Baylor Genetics
Classification: Likely pathogenic for ENHANCED S-CONE SYNDROME 1. Last evaluated: 2024-03-02. Review status: criteria provided, single submitter. Criteria: ACMG Guidelines, 2015. Collection method: clinical testing. Allele origin: unknown.

CeGaT Center for Human Genetics Tuebingen
Classification: Likely pathogenic. Last evaluated: 2023-07-01. Review status: criteria provided, single submitter. Criteria: CeGaT Center For Human Genetics Tuebingen Variant Classification Criteria Version 2. Collection method: clinical testing. Allele origin: germline. Affected: yes. Observed: 1 variant allele.
Comment: NR2E3: PM2, PM3, PM5, PP4, BP4

Blueprint Genetics
Classification: Likely pathogenic for NR2E3-related disorders. Last evaluated: 2022-07-07. Review status: criteria provided, single submitter. Criteria: ACMG Guidelines, 2015. Collection method: clinical testing. Allele origin: germline. Affected: yes. Observed: 5 variant alleles.

Institute of Human Genetics, Univ. Regensburg, Univ. Regensburg
Classification: Likely pathogenic for Retinal dystrophy. Last evaluated: 2019-01-01. Review status: criteria provided, single submitter. Criteria: ACMG Guidelines, 2015. Collection method: clinical testing. Allele origin: germline. Affected: yes.

GeneDx
Classification: Likely pathogenic. Last evaluated: 2016-08-23. Review status: criteria provided, single submitter. Criteria: GeneDx Variant Classification (06012015). Collection method: clinical testing. Allele origin: germline. Affected: yes.
Comment: The R311W variant in the NR2E3 gene has been reported previously, in cis with another NR2E3 missense variant, in one individual with a suspected NR2E3-related retinal disorder; however, additional information regarding familial segregation, specific clinical phenotype, and the presence or absence of another variant on the second NR2E3 allele was not provided (Coppieters et al., 2009). This variant was not observed in approximately 6200 individuals of European and African American ancestry in the NHLBI Exome Sequencing Project, indicating it is not a common benign variant in these populations. Although this substitution occurs at a position where amino acids with similar properties to Arginine are tolerated across species, the R311W variant is a non-conservative amino acid substitution, which is likely to impact secondary protein structure as these residues differ in polarity, charge, size and/or other properties. In silico analysis is inconsistent in its predictions as to whether or not the variant is damaging to the protein structure/function. A missense variant in the same amino acid residue (R311Q) has been previously reported in association with enhanced S-cone syndrome (Haider et al., 2000; Milam et al., 2002; Escher et al., 2009), supporting the functional importance of this region of the protein. The R311W variant is a strong candidate for a pathogenic variant, however the possibility it may be a rare benign variant cannot be excluded.

Literature cited by the submitters: PubMed 30054919 (cited by 3 submitters); PubMed 33819700 (cited by Natera, Inc.); PubMed 32531858 (cited by 3 submitters); PubMed 36819107 (cited by Labcorp Genetics (formerly Invitae), Labcorp and Institute of Human Genetics, Univ. Regensburg, Univ. Regensburg); PubMed 11071390 (cited by Labcorp Genetics (formerly Invitae), Labcorp); PubMed 16024868 (cited by Labcorp Genetics (formerly Invitae), Labcorp).